The following is an entry in ClinVar:

NM_001379286.1(ZNF423):c.362C>T (p.Ala121Val)

Gene: ZNF423 (zinc finger protein 423; minus strand). Cytogenetic location: 16q12.1.
Variant type: single nucleotide variant.
Coding change: c.362C>T on transcript NM_001379286.1 (MANE Select); coding-DNA position 362, C replaced by T.
Protein change: p.Ala121Val; replaces alanine 121 with valine.
Molecular consequence: missense variant. On other transcripts: 5 prime UTR variant (1).
Genome position (GRCh38, 1-based): chr16:49,638,814, G>A on the plus strand (C>T on the coding strand, the complement: ZNF423 is on the minus strand). VCF-style: chr16-49638814-G-A. GRCh37 (hg19) VCF-style: chr16-49672725-G-A.
Other names: c.158C>T, p.Ala53Val (NM_001271620.2); c.-14C>T (NM_001330533.2); c.338C>T, p.Ala113Val (NM_015069.5); short protein forms A53V, A113V, A121V.
Identifiers: ClinVar variation 843093 (VCV000843093.7), dbSNP rs377052758, ClinGen allele CA8046888.

ClinVar aggregate classification (germline): Uncertain significance (1 of 4 stars; one submission).

Conditions:
Nephronophthisis 14 (NPHP14). Identifiers: Orphanet 2318, MedGen C3539071, MONDO:0013916, OMIM 614844.

Allele frequency attached by ClinVar (database versions not stated): ESP Exome Variant Server 0.00008; ExAC 0.00002; gnomAD 0.00004 and 0.00003; gnomAD exomes 0.00001; TOPMed 0.00003.
gnomAD v4.1: 15 of 1,613,758 alleles (0.00093%); highest among the groups gnomAD compares: East Asian, 0.0022%; no homozygotes.

Submission:

Labcorp Genetics (formerly Invitae), Labcorp
Classification: Uncertain significance for Nephronophthisis 14. Last evaluated: 2022-08-09. Review status: criteria provided, single submitter. Criteria: Invitae Variant Classification Sherloc (09022015). Collection method: clinical testing. Allele origin: germline.
Comment: This variant has not been reported in the literature in individuals affected with ZNF423-related conditions. In summary, the available evidence is currently insufficient to determine the role of this variant in disease. Therefore, it has been classified as a Variant of Uncertain Significance. Algorithms developed to predict the effect of missense changes on protein structure and function are either unavailable or do not agree on the potential impact of this missense change (SIFT: "Tolerated"; PolyPhen-2: "Possibly Damaging"; Align-GVGD: "Class C0"). ClinVar contains an entry for this variant (Variation ID: 843093). This variant is present in population databases (rs377052758, gnomAD 0.004%). This sequence change replaces alanine, which is neutral and non-polar, with valine, which is neutral and non-polar, at codon 113 of the ZNF423 protein (p.Ala113Val).